The following is an entry in ClinVar:

ClinVar aggregate classification (germline): Pathogenic/Likely pathogenic. Review status: criteria provided, multiple submitters, no conflicts (2 of 4 stars). 3 submissions from 3 submitters: Pathogenic (2); Likely pathogenic (1). Last evaluated 2024-06-04.

Conditions:
Mucopolysaccharidosis type 6 (MPS6). Also called: N-ACETYLGALACTOSAMINE-4-SULFATASE DEFICIENCY; MPS VI; MPS 6; Maroteaux Lamy syndrome; ARSB DEFICIENCY; ARYLSULFATASE B DEFICIENCY. Identifiers: Orphanet 583, MedGen C0026709, MONDO:0009661, OMIM 253200.

Submissions (3):

Fulgent Genetics
Classification: Pathogenic for Mucopolysaccharidosis type 6. Last evaluated: 2024-06-04. Review status: criteria provided, single submitter. Criteria: ACMG Guidelines, 2015. Collection method: clinical testing. Allele origin: germline.

Women's Health and Genetics/Laboratory Corporation of America, LabCorp
Classification: Pathogenic for Mucopolysaccharidosis type 6. Last evaluated: 2024-06-03. Review status: criteria provided, single submitter. Criteria: LabCorp Variant Classification Summary - May 2015. Collection method: clinical testing. Allele origin: germline.
Comment: Variant summary: ARSB c.1079T>C (p.Leu360Pro) results in a non-conservative amino acid change located in the sulfatase, N-terminal domain (IPR000917) of the encoded protein sequence. Five of five in-silico tools predict a damaging effect of the variant on protein function. The variant was absent in 251248 control chromosomes (gnomAD). c.1079T>C has been reported in the literature in individuals affected with mild to moderate mucopolysaccharidosis type VI (Maroteaux-Lamy Syndrome) including two homozygous individuals with moderate phenotype (example: Voskoboeva_2022 , Zanetti _2013). These data indicate that the variant is likely to be associated with disease. Leukocyte arylsulfatase B enzyme activity from the homozygous individuals showed reduced enzymatic activity (Zanetti _2013). The following publications have been ascertained in the context of this evaluation (PMID: 23633437, 29620724, 35118118, 24243352). ClinVar contains an entry for this variant (Variation ID: 559672). Based on the evidence outlined above, the variant was classified as pathogenic.

Laboratory of Diagnosis and Therapy of Lysosomal Disorders, University of Padova
Classification: Likely pathogenic for Mucopolysaccharidosis type 6. Last evaluated: 2018-01-01. Review status: criteria provided, single submitter. Criteria: ACMG Guidelines, 2015. Collection method: curation. Allele origin: germline. Affected: yes.
Comment: In vitro functional studies supportive of a damaging effect on the gene product (low to no ARSB activity in homozygotes; PS3); Absent from GnomAD (PM2); Multiple lines of computational evidence support a deleterious effect on the gene product (PP3)

Literature cited by the submitters: PubMed 24243352 (cited by Women's Health and Genetics/Laboratory Corporation of America, LabCorp and Laboratory of Diagnosis and Therapy of Lysosomal Disorders, University of Padova); PubMed 29620724 (cited by Women's Health and Genetics/Laboratory Corporation of America, LabCorp); PubMed 23633437 (cited by Women's Health and Genetics/Laboratory Corporation of America, LabCorp); PubMed 35118118 (cited by Women's Health and Genetics/Laboratory Corporation of America, LabCorp); PubMed 26609033 (cited by Laboratory of Diagnosis and Therapy of Lysosomal Disorders, University of Padova); PubMed 24373060 (cited by Laboratory of Diagnosis and Therapy of Lysosomal Disorders, University of Padova); PubMed 10923267 (cited by Laboratory of Diagnosis and Therapy of Lysosomal Disorders, University of Padova); PubMed 30118150 (cited by Laboratory of Diagnosis and Therapy of Lysosomal Disorders, University of Padova).

NM_000046.5(ARSB):c.1079T>C (p.Leu360Pro)

Gene: ARSB (arylsulfatase B; minus strand). Cytogenetic location: 5q14.1.
Variant type: single nucleotide variant.
Coding change: c.1079T>C on transcript NM_000046.5 (MANE Select); coding-DNA position 1079, T replaced by C.
Protein change: p.Leu360Pro; replaces leucine 360 with proline.
Molecular consequence: missense variant.
Genome position (GRCh38, 1-based): chr5:78,885,647, A>G on the plus strand (T>C on the coding strand, the complement: ARSB is on the minus strand). VCF-style: chr5-78885647-A-G. GRCh37 (hg19) VCF-style: chr5-78181470-A-G.
Other names: c.1079T>C, p.Leu360Pro (NM_198709.3); short protein forms L360P.
Identifiers: ClinVar variation 559672 (VCV000559672.3), dbSNP rs1554079284, ClinGen allele CA360342826.
Genomic context (GRCh38, chr5:78,885,647, plus strand): 5'-ATGGTTTTCCACACGTCGAAGCCATCCAGAGGCTTTGTGCCATTGGTGTGTCCCCTGGCC[A>G]GCTTCACGAGTGTTGGCAGCCAGTCAGAGATGTGGATGAGCTCCCGGTTCTTCACGCCCT-3'
Protein context (NP_000037.2, residues 350-370): ISDWLPTLVK[Leu360Pro]ARGHTNGTKP